The following is an entry in ClinVar:

ClinVar aggregate classification (germline): Uncertain significance. Review status: criteria provided, multiple submitters, no conflicts (2 of 4 stars). 2 submissions from 2 submitters: Uncertain significance (2). Last evaluated 2026-07-07.

Conditions:
Hereditary cancer-predisposing syndrome. Also called: Hereditary Cancer Syndrome; Hereditary neoplastic syndrome; Neoplastic Syndromes, Hereditary; Tumor predisposition. Identifiers: Orphanet 140162, MedGen C0027672, MeSH D009386, MONDO:0015356.
Gorlin syndrome. Also called: Nevoid Basal Cell Carcinoma Syndrome; Basal cell nevus syndrome. Identifiers: Orphanet 377, MedGen C0004779, MONDO:0007187.

Submissions (2):

Ambry Genetics
Classification: Uncertain significance for Hereditary cancer-predisposing syndrome. Last evaluated: 2026-07-07. Review status: criteria provided, single submitter. Criteria: Ambry Variant Classification Scheme 2023. Collection method: clinical testing. Allele origin: germline.
Comment: The p.K16N variant (also known as c.48G>C), located in coding exon 2 of the PTCH1 gene, results from a G to C substitution at nucleotide position 48. The lysine at codon 16 is replaced by asparagine, an amino acid with similar properties. This amino acid position is conserved. In addition, the in silico prediction for this alteration is inconclusive. Based on the available evidence, the clinical significance of this variant remains unclear.

Labcorp Genetics (formerly Invitae), Labcorp
Classification: Uncertain significance for Gorlin syndrome. Last evaluated: 2025-05-07. Review status: criteria provided, single submitter. Criteria: Invitae Variant Classification Sherloc (09022015). Collection method: clinical testing. Allele origin: germline.
Comment: This sequence change replaces lysine, which is basic and polar, with asparagine, which is neutral and polar, at codon 82 of the PTCH1 protein (p.Lys82Asn). This variant is not present in population databases (gnomAD no frequency). This variant has not been reported in the literature in individuals affected with PTCH1-related conditions. Invitae Evidence Modeling of protein sequence and biophysical properties (such as structural, functional, and spatial information, amino acid conservation, physicochemical variation, residue mobility, and thermodynamic stability) indicates that this missense variant is not expected to disrupt PTCH1 protein function with a negative predictive value of 95%. In summary, the available evidence is currently insufficient to determine the role of this variant in disease. Therefore, it has been classified as a Variant of Uncertain Significance.

NM_000264.5(PTCH1):c.246G>C (p.Lys82Asn)

Gene: PTCH1 (patched 1; minus strand). Cytogenetic location: 9q22.32.
Variant type: single nucleotide variant.
Coding change: c.246G>C on transcript NM_000264.5 (MANE Select); coding-DNA position 246, G replaced by C.
Protein change: p.Lys82Asn; replaces lysine 82 with asparagine.
Molecular consequence: missense variant. On other transcripts: 5 prime UTR variant (4), non-coding transcript variant (1).
Genome position (GRCh38, 1-based): chr9:95,506,555, C>G on the plus strand (G>C on the coding strand, the complement: PTCH1 is on the minus strand). VCF-style: chr9-95506555-C-G. GRCh37 (hg19) VCF-style: chr9-98268837-C-G.
Other names: c.48G>C, p.Lys16Asn (NM_001083602.3, NM_001354919.2); c.243G>C, p.Lys81Asn (NM_001083603.3); c.-208G>C (NM_001083604.3, NM_001083605.3, NM_001083606.3 and 1 more transcripts); c.246G>C, p.Lys82Asn (NM_001354918.2); short protein forms K16N, K81N, K82N.
Identifiers: ClinVar variation 4801812 (VCV004801812.2).